The following is an entry in ClinVar:

ClinVar aggregate classification (germline): Pathogenic. Review status: criteria provided, multiple submitters, no conflicts (2 of 4 stars). 14 submissions from 14 submitters: Pathogenic (11). 3 of the submissions do not count toward it. Last evaluated 2026-07-10.

Conditions:
HYPERHOMOCYSTEINEMIA, THROMBOTIC, CBS-RELATED. Identifiers: MedGen C3150344, OMIM 236200.
CBS-related disorder. Also called: CBS-related condition.
Homocystinuria. Identifiers: MedGen C0019880, MONDO:0004737, HP:0002156.
Classic homocystinuria. Also called: Homocystinuria due to CBS deficiency; Cystathionine beta-synthase deficiency; CBS deficiency; Homocystinuria due to Cystathionine Beta-Synthase Deficiency; HOMOCYSTINURIA WITH OR WITHOUT RESPONSE TO PYRIDOXINE. Identifiers: Orphanet 394, MedGen C0751202, MONDO:0009352, OMIM 236200.

Allele frequency attached by ClinVar (database versions not stated): gnomAD exomes 0.00002; ExAC 0.00002.

Submissions (14):

PreventionGenetics, part of Exact Sciences
Classification: Pathogenic for CBS-related condition. Last evaluated: 2026-07-10. Review status: criteria provided, single submitter. Criteria: ACMG Guidelines, 2015. Collection method: clinical testing. Allele origin: germline.
Comment: The CBS c.1006C>T variant is predicted to result in the amino acid substitution p.Arg336Cys. This variant has previously been reported in the homozygous state or with a second causative CBS variant in numerous patients with homocystinuria (Zaidi et al. 2011. PubMed ID: 21517828; Lee et al. 2005. PubMed ID: 16205833; Alcaide et al. 2014. PubMed ID: 25218699; Gaustadnes et al. 2002. PubMed ID: 12124992; de Franchis et al. 1999. PubMed ID: 10408774; Urreizti et al. 2003. PubMed ID: 12815602). This is the most commonly reported causative variant in the CBS gene in individuals in Qatar (El-Said et al. 2006. PubMed ID: 16786517; Zschocke et al. 2009. PubMed ID: 19370759). A different substitution affecting the same amino acid (p.Arg336His) was also reported in patients with homocystinuria (Coude et al.1998. PubMed ID: 9870207; Kumar et al. 2022. PubMed ID: 36065636). In vitro functional studies have shown that both p.Arg336Cys and p.Arg336His substitutions lead to decreased amount of protein and enzyme activity (Lee et al. 2005. PubMed ID: 16205833; Urreizti et al. 2006. PubMed ID: 16429402; Mayfield et al. 2012. PubMed ID: 22267502). This variant is reported in 0.0044% of alleles in individuals of European (Non-Finnish) descent in gnomAD. This variant is interpreted as pathogenic.

Natera, Inc.
Classification: Pathogenic for Homocystinuria due to cystathionine beta-synthase deficiency. Last evaluated: 2025-10-10. Review status: criteria provided, single submitter. Criteria: Natera Variant Classification Schema (03/2026). Collection method: clinical testing. Allele origin: germline.
Comment: The c.1006C>T variant in CBS is a missense variant predicted to cause substitution of arginine to cysteine at amino acid 336. This variant is rare in the general population with a frequency below the threshold expected for the associated phenotype(s). This variant has been observed in one or more individuals affected with the associated recessive disease, as either homozygous or compound heterozygous with a second variant (PMID: 16786517, 21240075). A different variant at the same position has been determined to be Pathogenic or Likely Pathogenic. Computational prediction algorithms indicate this variant is likely to affect gene or protein function. Given the available evidence, this variant is classified as Pathogenic.

Labcorp Genetics (formerly Invitae), Labcorp
Classification: Pathogenic for HYPERHOMOCYSTEINEMIA, THROMBOTIC, CBS-RELATED. Last evaluated: 2025-04-24. Review status: criteria provided, single submitter. Criteria: Invitae Variant Classification Sherloc (09022015). Collection method: clinical testing. Allele origin: germline.
Comment: This sequence change replaces arginine, which is basic and polar, with cysteine, which is neutral and slightly polar, at codon 336 of the CBS protein (p.Arg336Cys). This variant is present in population databases (rs398123151, gnomAD 0.004%). This missense change has been observed in individual(s) with homocystinuria (PMID: 12815602, 16205833, 21517828). It has also been observed to segregate with disease in related individuals. ClinVar contains an entry for this variant (Variation ID: 92423). Invitae Evidence Modeling of protein sequence and biophysical properties (such as structural, functional, and spatial information, amino acid conservation, physicochemical variation, residue mobility, and thermodynamic stability) indicates that this missense variant is expected to disrupt CBS protein function with a positive predictive value of 95%. Experimental studies have shown that this missense change affects CBS function (PMID: 10408774, 16205833, 16429402, 26464485). This variant disrupts the p.Arg336 amino acid residue in CBS. Other variant(s) that disrupt this residue have been determined to be pathogenic (PMID: 9870207, 23974653, 25218699). This suggests that this residue is clinically significant, and that variants that disrupt this residue are likely to be disease-causing. For these reasons, this variant has been classified as Pathogenic.

Genomic Medicine Center of Excellence, King Faisal Specialist Hospital and Research Centre
Classification: Pathogenic for Classic homocystinuria. Last evaluated: 2024-03-17. Review status: criteria provided, single submitter. Criteria: ACMG Guidelines, 2015. Collection method: research. Allele origin: germline.

Baylor Genetics
Classification: Pathogenic for Classic homocystinuria. Last evaluated: 2024-01-28. Review status: criteria provided, single submitter. Criteria: ACMG Guidelines, 2015. Collection method: clinical testing. Allele origin: unknown.

CeGaT Center for Human Genetics Tuebingen
Classification: Pathogenic. Last evaluated: 2022-08-01. Review status: criteria provided, single submitter. Criteria: CeGaT Center For Human Genetics Tuebingen Variant Classification Criteria Version 2. Collection method: clinical testing. Allele origin: germline. Affected: yes. Observed: 1 variant allele.

GeneDx
Classification: Pathogenic. Last evaluated: 2021-07-20. Review status: criteria provided, single submitter. Criteria: GeneDx Variant Classification Process June 2021. Collection method: clinical testing. Allele origin: germline. Affected: yes.
Comment: Reported to be a founder mutation in the Qatari population, affecting approximately 1 in 1,8000 births (Gan-Schreier et al., 2010; El Bashir et al., 2015); Functional studies showed reduced activity of R336C in mammalian (Ismail et al., 2019) and E-coli expression systems (Urreizti et al., 2006); Not observed at significant frequency in large population cohorts (Lek et al., 2016); In silico analysis supports that this missense variant has a deleterious effect on protein structure/function; This variant is associated with the following publications: (PMID: 27535533, 31240737, 26582918, 30408270, 12815602, 19914636, 27629047, 25218699, 25712383, 7762555, 23685761, 26464485, 10408774, 21517828, 16786517, 21240075, 7967489, 21062078, 16429402, 12124992, 16205833, 19370759, 20455263, 30968424, 31130284)

Women's Health and Genetics/Laboratory Corporation of America, LabCorp
Classification: Pathogenic for Homocystinuria. Last evaluated: 2020-12-09. Review status: criteria provided, single submitter. Criteria: LabCorp Variant Classification Summary - May 2015. Collection method: clinical testing. Allele origin: germline.
Comment: Variant summary: CBS c.1006C>T (p.Arg336Cys) results in a non-conservative amino acid change located in the pyridoxal-phosphate dependent enzyme domain (IPR001926) of the encoded protein sequence. Five of five in-silico tools predict a damaging effect of the variant on protein function. The variant allele was found at a frequency of 2e-05 in 250690 control chromosomes (gnomAD). The variant, c.1006C>T, has been reported in the literature in several homozygous and compound heterozygous individuals affected with Homocystinuria (e.g. deFranchis_1999, Urreizti_2003, El-Said_2006, Zaidi_2012); in addition, the variant was identified as a founder mutation in Qatar (El-Said_2006). These data indicate that the variant is very likely to be associated with disease. Multiple publications reported experimental evidence evaluating an impact on protein function, and demonstrated the lack of enzymatic activity (see e.g. deFranchis_1999, Urreizti_2003, Urreizti_2006, Mendes_2015), in addition, recently a transgenic mouse model was also developed with mice showing marked elevation in serum homocysteine (Gupta_2019). Four clinical diagnostic laboratories have submitted clinical-significance assessments for this variant to ClinVar after 2014 without evidence for independent evaluation. All laboratories classified the variant as pathogenic. Based on the evidence outlined above, the variant was classified as pathogenic.

Revvity Omics, Revvity
Classification: Pathogenic for Classic homocystinuria. Last evaluated: 2020-05-21. Review status: criteria provided, single submitter. Criteria: ACMG Guidelines, 2015. Collection method: clinical testing. Allele origin: germline.

Fulgent Genetics
Classification: Pathogenic for Classic homocystinuria. Last evaluated: 2018-10-31. Review status: criteria provided, single submitter. Criteria: ACMG Guidelines, 2015. Collection method: clinical testing. Allele origin: unknown.

Eurofins Ntd Llc (ga)
Classification: Pathogenic. Last evaluated: 2012-07-26. Review status: criteria provided, single submitter. Criteria: EGL Classification Definitions. Collection method: clinical testing. Allele origin: germline. Observed: 5 variant alleles, 5 heterozygotes.

Biochemical Molecular Genetic Laboratory, King Abdulaziz Medical City
Classification: Likely pathogenic for Classic homocystinuria. Last evaluated: 2019-09-26. Review status: no assertion criteria provided. Collection method: clinical testing. Allele origin: germline. Affected: yes. Not counted in ClinVar's aggregate classification.

Counsyl
Classification: Pathogenic for Homocystinuria due to CBS deficiency. Last evaluated: 2014-08-25. Review status: no assertion criteria provided. Collection method: literature only. Allele origin: unknown. Inheritance: Autosomal recessive inheritance. Not counted in ClinVar's aggregate classification.

GeneReviews
No classification provided. Condition: Classic homocystinuria. Review status: no classification provided. Collection method: literature only. Allele origin: germline. Not counted in ClinVar's aggregate classification.

Literature cited by the submitters: PubMed 16786517 (cited by 3 submitters); PubMed 21240075 (cited by Natera, Inc.); PubMed 12815602 (cited by 3 submitters); PubMed 16205833 (cited by Labcorp Genetics (formerly Invitae), Labcorp and Counsyl); PubMed 21517828 (cited by 3 submitters); PubMed 10408774 (cited by 3 submitters); PubMed 16429402 (cited by 3 submitters); PubMed 26464485 (cited by Labcorp Genetics (formerly Invitae), Labcorp and Women's Health and Genetics/Laboratory Corporation of America, LabCorp); PubMed 9870207 (cited by Labcorp Genetics (formerly Invitae), Labcorp); PubMed 23974653 (cited by Labcorp Genetics (formerly Invitae), Labcorp); PubMed 25218699 (cited by Labcorp Genetics (formerly Invitae), Labcorp); PubMed 31240737 (cited by Women's Health and Genetics/Laboratory Corporation of America, LabCorp); PubMed 19370759 (cited by Counsyl); PubMed 12124992 (cited by Counsyl); PubMed 7967489 (cited by Counsyl); PubMed 20455263 (cited by Counsyl); NCBI Bookshelf NBK1524 (cited by GeneReviews).

NM_000071.3(CBS):c.1006C>T (p.Arg336Cys)

Gene: CBS (cystathionine beta-synthase; minus strand). Cytogenetic location: 21q22.3.
Variant type: single nucleotide variant.
Coding change: c.1006C>T on transcript NM_000071.3 (MANE Select); coding-DNA position 1006, C replaced by T.
Protein change: p.Arg336Cys; replaces arginine 336 with cysteine.
Molecular consequence: missense variant.
Genome position (GRCh38, 1-based): chr21:43,062,344, G>A on the plus strand (C>T on the coding strand, the complement: CBS is on the minus strand). VCF-style: chr21-43062344-G-A. GRCh37 (hg19) VCF-style: chr21-44482454-G-A.
Other names: p.R336C:CGC>TGC; c.1006C>T, p.Arg336Cys (NM_001178008.3, NM_001178009.3, NM_001320298.2); c.691C>T, p.Arg231Cys (NM_001321072.1); c.1006C>T (NM_001320298.1); short protein forms R336C, R231C.
Identifiers: ClinVar variation 92423 (VCV000092423.61), dbSNP rs398123151, ClinGen allele CA274154.